The following is an entry in ClinVar:

ClinVar aggregate classification (germline): Likely benign. Review status: criteria provided, multiple submitters, no conflicts (2 of 4 stars). 2 submissions from 2 submitters: Likely benign (2). Last evaluated 2024-11-18.

Allele frequency attached by ClinVar (database versions not stated): ExAC 0.00023; TOPMed 0.00002; gnomAD 0.00001; gnomAD exomes 0.00002.
gnomAD v4.1: 34 of 1,548,330 alleles (0.0022%); highest among the groups gnomAD compares: South Asian, 0.006%; no homozygotes.

Submissions (2):

Blueprint Genetics
Classification: Likely benign. Last evaluated: 2024-11-18. Review status: criteria provided, single submitter. Criteria: ACMG Guidelines, 2015. Collection method: clinical testing. Allele origin: germline.

CeGaT Center for Human Genetics Tuebingen
Classification: Likely benign. Last evaluated: 2022-04-01. Review status: criteria provided, single submitter. Criteria: CeGaT Center For Human Genetics Tuebingen Variant Classification Criteria Version 2. Collection method: clinical testing. Allele origin: germline. Affected: yes. Observed: 1 variant allele.
Comment: LAT: BP4, BP7

NM_001014989.2(LAT):c.39C>T (p.Pro13=)

Genes: LAT (linker for activation of T cells; plus strand), LOC130058751 (ATAC-STARR-seq lymphoblastoid silent region 7323; plus strand). Cytogenetic location: 16p11.2.
Variant type: single nucleotide variant.
Coding change: c.39C>T on transcript NM_001014989.2; coding-DNA position 39, C replaced by T.
Protein change: p.Pro13=; no amino-acid change (proline 13 retained).
Molecular consequence: synonymous variant.
Genome position (GRCh38, 1-based): chr16:28,984,900, C>T. VCF-style: chr16-28984900-C-T. GRCh37 (hg19) VCF-style: chr16-28996221-C-T.
Identifiers: ClinVar variation 2646359 (VCV002646359.23), dbSNP rs749827158, ClinGen allele CA7989752.